The following is an entry in ClinVar:

ClinVar aggregate classification (germline): Uncertain significance (1 of 4 stars; one submission).

Conditions:
Pyruvate carboxylase deficiency. Also called: Pyruvate Carboxylase Deficiency Disease; ATAXIA WITH LACTIC ACIDOSIS II; LEIGH NECROTIZING ENCEPHALOPATHY DUE TO PYRUVATE CARBOXYLASE DEFICIENCY; LEIGH SYNDROME DUE TO PYRUVATE CARBOXYLASE DEFICIENCY; PC DEFICIENCY. Identifiers: Orphanet 3008, MedGen C0034341, MONDO:0009949, OMIM 266150.

Submission:

Labcorp Genetics (formerly Invitae), Labcorp
Classification: Uncertain significance for Pyruvate carboxylase deficiency. Last evaluated: 2023-08-23. Review status: criteria provided, single submitter. Criteria: Invitae Variant Classification Sherloc (09022015). Collection method: clinical testing. Allele origin: germline.
Comment: In summary, the available evidence is currently insufficient to determine the role of this variant in disease. Therefore, it has been classified as a Variant of Uncertain Significance. Algorithms developed to predict the effect of sequence changes on RNA splicing suggest that this variant may create or strengthen a splice site. This variant has not been reported in the literature in individuals affected with PC-related conditions. This variant is not present in population databases (gnomAD no frequency). This sequence change falls in intron 11 of the PC gene. It does not directly change the encoded amino acid sequence of the PC protein.

NM_001040716.2(PC):c.1369-8T>A

Gene: PC (pyruvate carboxylase; minus strand). Cytogenetic location: 11q13.2.
Variant type: single nucleotide variant.
Coding change: c.1369-8T>A on transcript NM_001040716.2 (MANE Select); 8 bases into the intron before coding-DNA position 1369, T replaced by A.
Molecular consequence: intron variant.
Genome position (GRCh38, 1-based): chr11:66,853,391, A>T on the plus strand (T>A on the coding strand, the complement: PC is on the minus strand). VCF-style: chr11-66853391-A-T. GRCh37 (hg19) VCF-style: chr11-66620862-A-T.
Other names: c.1369-8T>A (NM_000920.4, NM_022172.3).
Identifiers: ClinVar variation 2719653 (VCV002719653.3), dbSNP rs2495512053, ClinGen allele CA2697548747.